The following is an entry in ClinVar:

NM_020822.3(KCNT1):c.820C>A (p.Leu274Ile)

Gene: KCNT1 (potassium sodium-activated channel subfamily T member 1; plus strand). Cytogenetic location: 9q34.3.
Variant type: single nucleotide variant.
Coding change: c.820C>A on transcript NM_020822.3 (MANE Select); coding-DNA position 820, C replaced by A.
Protein change: p.Leu274Ile; replaces leucine 274 with isoleucine.
Molecular consequence: missense variant.
Genome position (GRCh38, 1-based): chr9:135,758,474, C>A. VCF-style: chr9-135758474-C-A. GRCh37 (hg19) VCF-style: chr9-138650320-C-A.
Other names: c.676C>A, p.Leu226Ile (NM_001272003.2); short protein forms L226I, L274I.
Identifiers: ClinVar variation 3776340 (VCV003776340.1).

ClinVar aggregate classification (germline): Pathogenic (1 of 4 stars; one submission).

Submission:

GeneDx
Classification: Pathogenic. Last evaluated: 2024-10-03. Review status: criteria provided, single submitter. Criteria: GeneDx Variant Classification Process June 2021. Collection method: clinical testing. Allele origin: germline. Affected: yes.
Comment: Published functional studies demonstrate a significant gain of function effect (PMID: 37177976, 29196579); Not observed at significant frequency in large population cohorts (gnomAD); In silico analysis indicates that this missense variant does not alter protein structure/function; This variant is associated with the following publications: (PMID: 30112700, 35940594, 34074526, 32776321, 34911427, 30804880, 37177976, 33057194, 29196579, 35982159, 32167590)